The following is an entry in ClinVar:

NM_001282116.2(RFX3):c.1166C>G (p.Ser389Cys)

Gene: RFX3 (regulatory factor X3; minus strand). Cytogenetic location: 9p24.2.
Variant type: single nucleotide variant.
Coding change: c.1166C>G on transcript NM_001282116.2 (MANE Select); coding-DNA position 1166, C replaced by G.
Protein change: p.Ser389Cys; replaces serine 389 with cysteine.
Molecular consequence: missense variant.
Genome position (GRCh38, 1-based): chr9:3,271,039, G>C on the plus strand (C>G on the coding strand, the complement: RFX3 is on the minus strand). VCF-style: chr9-3271039-G-C. GRCh37 (hg19) VCF-style: chr9-3271039-G-C.
Other names: c.1166C>G, p.Ser389Cys (NM_001282117.2, NM_001377999.1, NM_002919.4 and 1 more transcripts); short protein forms S389C.
Identifiers: ClinVar variation 3432601 (VCV003432601.3).
Genomic context (GRCh38, chr9:3,271,039, plus strand): 5'-ATTGGAAAAGATGTTGATTCTGACCTCGATTCGGTAATGGTAGTGCCATCAGTTGGAGTA[G>C]AGGGAGAATAGCGCCAGAATGTTTGCCACAATTTTTCTATCAGGCTAAATTGAAGATTCA-3'
Protein context (NP_001269045.1, residues 379-399): LWQTFWRYSP[Ser389Cys]TPTDGTTITE

ClinVar aggregate classification (germline): Uncertain significance. Review status: criteria provided, multiple submitters, no conflicts (2 of 4 stars). 2 submissions from 2 submitters: Uncertain significance (2). Last evaluated 2025-07-09.

Conditions:
Inborn genetic diseases. Identifiers: MedGen C0950123, MeSH D030342.

gnomAD v4.1: 4 of 1,613,670 alleles (0.00025%); highest among the groups gnomAD compares: African/African-American, 0.004%; no homozygotes.

Submissions (2):

Dasa
Classification: Uncertain significance. Last evaluated: 2025-07-09. Review status: criteria provided, single submitter. Criteria: DASA Assertion Criteria. Collection method: clinical testing. Allele origin: germline.
Comment: NM_001282116.2(RFX3):c.1166C>G (p.Ser389Cys) is a missense variant that results in the substitution of serine with cysteine. This variant is rare in population databases. Computational prediction algorithms are consistent with a benign effect. The currently available literature and clinical evidence are not sufficient to establish a definitive association between this variant and the reported condition. Therefore, this variant is classified as a variant of uncertain significance.

Ambry Genetics
Classification: Uncertain significance for Inborn genetic diseases. Last evaluated: 2024-08-28. Review status: criteria provided, single submitter. Criteria: Ambry Variant Classification Scheme 2023. Collection method: clinical testing. Allele origin: germline.